The following is an entry in ClinVar:

NM_033100.4(CDHR1):c.464T>C (p.Phe155Ser)

Gene: CDHR1 (cadherin related family member 1; plus strand). Cytogenetic location: 10q23.1.
Variant type: single nucleotide variant.
Coding change: c.464T>C on transcript NM_033100.4 (MANE Select); coding-DNA position 464, T replaced by C.
Protein change: p.Phe155Ser; replaces phenylalanine 155 with serine.
Molecular consequence: missense variant.
Genome position (GRCh38, 1-based): chr10:84,200,626, T>C. VCF-style: chr10-84200626-T-C. GRCh37 (hg19) VCF-style: chr10-85960382-T-C.
Other names: c.464T>C, p.Phe155Ser (NM_001171971.3); short protein forms F155S.
Identifiers: ClinVar variation 1001560 (VCV001001560.8), dbSNP rs1842106980, ClinGen allele CA377371523.
Genomic context (GRCh38, chr10:84,200,626, plus strand): 5'-TCTCTGACCCTCCCCTGTGGCTGTGACCCCCTCAGGACATACCTGCTGGGAGCATCATCT[T>C]TAAGGTCCATGCAGTGGACAGGGACACAGGCTCTGGAGGGAGTGTCACCTACTTCCTGCA-3'
Protein context (NP_149091.1, residues 145-165): PEDIPAGSII[Phe155Ser]KVHAVDRDTG

ClinVar aggregate classification (germline): Uncertain significance (1 of 4 stars; one submission).

Allele frequency attached by ClinVar (database versions not stated): TOPMed below 0.00001.

Submission:

Labcorp Genetics (formerly Invitae), Labcorp
Classification: Uncertain significance. Last evaluated: 2022-11-22. Review status: criteria provided, single submitter. Criteria: Invitae Variant Classification Sherloc (09022015). Collection method: clinical testing. Allele origin: germline.
Comment: In summary, the available evidence is currently insufficient to determine the role of this variant in disease. Therefore, it has been classified as a Variant of Uncertain Significance. Advanced modeling of protein sequence and biophysical properties (such as structural, functional, and spatial information, amino acid conservation, physicochemical variation, residue mobility, and thermodynamic stability) performed at Invitae indicates that this missense variant is not expected to disrupt CDHR1 protein function. ClinVar contains an entry for this variant (Variation ID: 1001560). This variant has not been reported in the literature in individuals affected with CDHR1-related conditions. This variant is not present in population databases (gnomAD no frequency). This sequence change replaces phenylalanine, which is neutral and non-polar, with serine, which is neutral and polar, at codon 155 of the CDHR1 protein (p.Phe155Ser).